The following is an entry in ClinVar:

NM_000090.4(COL3A1):c.690+180T>C

Gene: COL3A1 (collagen type III alpha 1 chain; plus strand). Cytogenetic location: 2q32.2.
Variant type: single nucleotide variant.
Coding change: c.690+180T>C on transcript NM_000090.4 (MANE Select); 180 bases into the intron after coding-DNA position 690, T replaced by C.
Molecular consequence: intron variant.
Genome position (GRCh38, 1-based): chr2:188,989,629, T>C. VCF-style: chr2-188989629-T-C. GRCh37 (hg19) VCF-style: chr2-189854355-T-C.
Identifiers: ClinVar variation 676608 (VCV000676608.2), dbSNP rs41272811, ClinGen allele CA62589800.

ClinVar aggregate classification (germline): Likely benign. Review status: criteria provided, multiple submitters, no conflicts (2 of 4 stars). 2 submissions from 2 submitters: Likely benign (2). Last evaluated 2018-06-14.

Allele frequency attached by ClinVar (database versions not stated): gnomAD 0.01108 and 0.01159; TOPMed 0.01244; 1000 Genomes Project 0.01398; 1000 Genomes Project 30x 0.01421.

Submissions (2):

GeneDx
Classification: Likely benign. Last evaluated: 2018-06-14. Review status: criteria provided, single submitter. Criteria: GeneDx Variant Classification (06012015). Collection method: clinical testing. Allele origin: germline. Affected: yes.
Comment: This variant is considered likely benign or benign based on one or more of the following criteria: it is a conservative change, it occurs at a poorly conserved position in the protein, it is predicted to be benign by multiple in silico algorithms, and/or has population frequency not consistent with disease.

Breakthrough Genomics
Classification: Likely benign. Review status: criteria provided, single submitter. Criteria: ACMG Guidelines, 2015. Collection method: not provided. Allele origin: germline. Inheritance: Autosomal recessive inheritance. Affected: yes.